The following is an entry in ClinVar:

ClinVar aggregate classification (germline): Uncertain significance (1 of 4 stars; one submission).

Conditions:
Lethal congenital glycogen storage disease of heart. Also called: GLYCOGEN STORAGE DISEASE OF HEART; PHOSPHORYLASE KINASE DEFICIENCY OF HEART. Identifiers: Orphanet 439854, MedGen C1849813, MONDO:0009867, OMIM 261740.

Submission:

Labcorp Genetics (formerly Invitae), Labcorp
Classification: Uncertain significance for Lethal congenital glycogen storage disease of heart. Last evaluated: 2021-11-19. Review status: criteria provided, single submitter. Criteria: Invitae Variant Classification Sherloc (09022015). Collection method: clinical testing. Allele origin: germline.
Comment: This sequence change replaces serine, which is neutral and polar, with arginine, which is basic and polar, at codon 71 of the PRKAG2 protein (p.Ser71Arg). This variant is not present in population databases (gnomAD no frequency). This variant has not been reported in the literature in individuals affected with PRKAG2-related conditions. Algorithms developed to predict the effect of missense changes on protein structure and function are either unavailable or do not agree on the potential impact of this missense change (SIFT: "Tolerated"; PolyPhen-2: "Probably Damaging"; Align-GVGD: "Class C0"). In summary, the available evidence is currently insufficient to determine the role of this variant in disease. Therefore, it has been classified as a Variant of Uncertain Significance.

NM_016203.4(PRKAG2):c.211A>C (p.Ser71Arg)

Gene: PRKAG2 (protein kinase AMP-activated non-catalytic subunit gamma 2; minus strand). Cytogenetic location: 7q36.1.
Variant type: single nucleotide variant.
Coding change: c.211A>C on transcript NM_016203.4 (MANE Select); coding-DNA position 211, A replaced by C.
Protein change: p.Ser71Arg; replaces serine 71 with arginine.
Molecular consequence: missense variant.
Genome position (GRCh38, 1-based): chr7:151,781,407, T>G on the plus strand (A>C on the coding strand, the complement: PRKAG2 is on the minus strand). VCF-style: chr7-151781407-T-G. GRCh37 (hg19) VCF-style: chr7-151478493-T-G.
Other names: c.79A>C, p.Ser27Arg (NM_001040633.2); short protein forms S27R, S71R.
Identifiers: ClinVar variation 1394228 (VCV001394228.5), dbSNP rs2151803809, ClinGen allele CA370069904.